The following is an entry in ClinVar:

NM_000455.5(STK11):c.464+9G>C

Gene: STK11 (serine/threonine kinase 11; plus strand). Cytogenetic location: 19p13.3.
Variant type: single nucleotide variant.
Coding change: c.464+9G>C on transcript NM_000455.5 (MANE Select); 9 bases into the intron after coding-DNA position 464, G replaced by C.
Molecular consequence: intron variant.
Genome position (GRCh38, 1-based): chr19:1,219,422, G>C. VCF-style: chr19-1219422-G-C. GRCh37 (hg19) VCF-style: chr19-1219421-G-C.
Identifiers: ClinVar variation 1644115 (VCV001644115.9), dbSNP rs376313955, ClinGen allele CA2543635453.
Genomic context (GRCh38, chr19:1,219,422, plus strand): 5'-AAATGCTGGACAGCGTGCCGGAGAAGCGTTTCCCAGTGTGCCAGGCCCACGGGTGCGTGC[G>C]CGGGGCAGGGGCCAGGGTGGGGCGGGGGCCGGGGGCCAGGCAGGGCAGGCTCCTTTCCGT-3'

ClinVar aggregate classification (germline): Likely benign. Review status: criteria provided, multiple submitters, no conflicts (2 of 4 stars). 2 submissions from 2 submitters: Likely benign (2). Last evaluated 2025-03-26.

Conditions:
Peutz-Jeghers syndrome (PJS). Also called: Peutz-Jeghers polyposis; Periorificial lentiginosis syndrome; POLYPOSIS, HAMARTOMATOUS INTESTINAL; POLYPS-AND-SPOTS SYNDROME. Identifiers: Orphanet 2869, MedGen C0031269, MeSH D010580, MONDO:0008280, OMIM 175200.

Submissions (2):

Myriad Genetics, Inc.
Classification: Likely benign for Peutz-Jeghers syndrome. Last evaluated: 2025-03-26. Review status: criteria provided, single submitter. Criteria: Myriad Autosomal Dominant, Autosomal Recessive and X-Linked Classification Criteria (2023). Collection method: clinical testing. Allele origin: unknown.
Comment: This variant is considered likely benign. This variant is intronic and is not expected to impact mRNA splicing.

Labcorp Genetics (formerly Invitae), Labcorp
Classification: Likely benign for Peutz-Jeghers syndrome. Last evaluated: 2024-04-07. Review status: criteria provided, single submitter. Criteria: Invitae Variant Classification Sherloc (09022015). Collection method: clinical testing. Allele origin: germline.